The following continues an entry in ClinVar:

NM_000535.7(PMS2):c.2249G>A (p.Gly750Asp)

Gene: PMS2. ClinVar aggregate classification (germline): Conflicting classifications of pathogenicity. Pathogenic (4); Likely pathogenic (12); Uncertain significance (2).

Submissions 17 to 19 of 19:

Sema4
Classification: Likely pathogenic for Hereditary cancer-predisposing syndrome. Last evaluated: 2022-03-15. Review status: criteria provided, single submitter. Criteria: Sema4 Curation Guidelines. Collection method: curation. Allele origin: germline.
Comment: The PMS2 c.2249G>A (p.G750D) variant has been reported as compound heterozygous in at least four individuals with multiple primary cancer diagnosis indicating suspected constitutional mismatch repair deficiency (CMMRD) (PMID: 18602922, 25856668, 26318770, 31332305). Tumors found in these patients and nearby normal tissue exhibit loss of PMS2 protein expression (PMID: 26116798, 30608896). It has also been reported as homozygous in an individual with ovarian cancer (PMID: 34371384). It has been reported in a large case-control study of breast cancer in 1/60466 cases and 4/53461 controls (PMID: 33471991). Functional studies have shown that the variant displays decreased repair efficiency compared to wild type but is not classified as repair deficient, suggesting that the variant may be pathogenic with reduced penetrance (PMID: 24027009). To the best of our knowledge, the variant has not been reported as heterozygous in individuals with Lynch syndrome-related disease. It was observed in 1/112556 chromosomes of the non-Finnish European subpopulation in the Genome Aggregation Database (PMID: 32461654). The variant has been reported in ClinVar (Variation ID 91334). In silico tools suggest that the impact of the variant on protein function is deleterious. Based on the current evidence available, this variant is interpreted as likely pathogenic.

CeGaT Center for Human Genetics Tuebingen
Classification: Uncertain significance. Last evaluated: 2019-05-01. Review status: criteria provided, single submitter. Criteria: CeGaT Center For Human Genetics Tuebingen Variant Classification Criteria Version 2. Collection method: clinical testing. Allele origin: germline. Affected: yes. Observed: 1 variant allele.

Department of Pathology and Laboratory Medicine, Sinai Health System
Classification: Likely pathogenic for Endometrial carcinoma. Last evaluated: 2024-11-04. Review status: no assertion criteria provided. Collection method: clinical testing. Allele origin: unknown. Affected: yes. Study: The Canadian Open Genetics Repository (COGR). Not counted in ClinVar's aggregate classification.
Comment: The PMS2 c.2249G>A, p.(Gly750Asp) variant was identified in the literature in 7 individuals or families with CMMRD, colorectal, ovarian, or breast cancer and was seen in 1 healthy individual (Senter 2008, Bodo 2015, Lavoine 2015, Goodenberger 2016, Shuen 2019, Bono 2021). The variant was also identified in ClinVar (classified as uncertain significance by 2 submitters; as likely pathogenic by Labcorp and 8 other submitters; and as pathogenic by GeneDx and Ambry Genetics). The variant was identified in controls in 27 of 1,603,354 chromosomes (2 homozygous) at a frequency of 0.00002 (Genome Aggregation Database Nov 1 2023 v4.0.0). The variant was observed in trans with pathogenic PMS2 variants in 3 individuals with CMMRD, increasing the likelihood that this c.2249G>A variant has clinical significance (Senter 2008, Lavoine 2015, Bodo 2015). Additionally, the variant was identified in 1 individual with MSI-high colon tumour and confirmed loss of PMS2 expression (Goodenberger 2016). In functional studies, the variant was demonstrated to reduce mismatch repair activity (Drost 2013, Shuen 2019). In summary, based on the above information the clinical significance of this variant cannot be determined with certainty at this time although we would lean towards a more pathogenic role for this variant. This variant is classified as likely pathogenic.

Literature cited by the submitters: PubMed 18602922 (cited by 8 submitters); PubMed 26318770 (cited by 8 submitters); PubMed 30608896 (cited by 6 submitters); PubMed 10 (cited by Labcorp Genetics (formerly Invitae), Labcorp); PubMed 1186 (cited by Labcorp Genetics (formerly Invitae), Labcorp); PubMed 1897 (cited by Labcorp Genetics (formerly Invitae), Labcorp); PubMed 4287 (cited by Labcorp Genetics (formerly Invitae), Labcorp); PubMed 9 (cited by Labcorp Genetics (formerly Invitae), Labcorp); PubMed 1 (cited by Labcorp Genetics (formerly Invitae), Labcorp); PubMed 38 (cited by Labcorp Genetics (formerly Invitae), Labcorp); PubMed 24027009 (cited by 7 submitters); PubMed 26116798 (cited by 6 submitters); PubMed 25856668 (cited by 6 submitters); PubMed 28888541 (cited by 3 submitters); PubMed 34371384 (cited by 4 submitters); PubMed 35223509 (cited by 4 submitters); PubMed 38552658 (cited by Women's Health and Genetics/Laboratory Corporation of America, LabCorp and Quest Diagnostics Nichols Institute San Juan Capistrano); PubMed 21376568 (cited by Quest Diagnostics Nichols Institute San Juan Capistrano); PubMed 20531397 (cited by Quest Diagnostics Nichols Institute San Juan Capistrano); PubMed 33471991 (cited by Quest Diagnostics Nichols Institute San Juan Capistrano and Sema4); PubMed 39821165 (cited by Quest Diagnostics Nichols Institute San Juan Capistrano); PubMed 18709565 (cited by Quest Diagnostics Nichols Institute San Juan Capistrano); PubMed 26333163 (cited by Quest Diagnostics Nichols Institute San Juan Capistrano); PubMed 37319387 (cited by Quest Diagnostics Nichols Institute San Juan Capistrano); PubMed 39334433 (cited by Quest Diagnostics Nichols Institute San Juan Capistrano); PubMed 23435383 (cited by Ambry Genetics); PubMed 31332305 (cited by Sema4).